The following is an entry in ClinVar:

NM_000821.7(GGCX):c.*3053A>G

Gene: GGCX (gamma-glutamyl carboxylase; minus strand). Cytogenetic location: 2p11.2.
Variant type: single nucleotide variant.
Coding change: c.*3053A>G on transcript NM_000821.7 (MANE Select); 3053 bases downstream of the stop codon, A replaced by G.
Molecular consequence: 3 prime UTR variant.
Genome position (GRCh38, 1-based): chr2:85,546,881, T>C on the plus strand (A>G on the coding strand, the complement: GGCX is on the minus strand). VCF-style: chr2-85546881-T-C. GRCh37 (hg19) VCF-style: chr2-85774004-T-C.
Other names: c.*3053A>G (NM_001142269.4).
Identifiers: ClinVar variation 337207 (VCV000337207.5), dbSNP rs150020679, ClinGen allele CA10614475.

ClinVar aggregate classification (germline): Benign (1 of 4 stars; one submission).

Conditions:
Vitamin K-dependent clotting factors, combined deficiency of, type 1. Also called: FACTORS II, VII, IX, AND X, COMBINED DEFICIENCY OF; FAMILIAL MULTIPLE COAGULATION FACTOR DEFICIENCY III; FMFD III; GLUTAMIC ACID, DEFICIENT GAMMA-CARBOXYLATION OF; MULTIPLE COAGULATION FACTOR DEFICIENCY III; VITAMIN K-DEPENDENT COAGULATION DEFECT. Identifiers: Orphanet 98434, MedGen C1848534, MONDO:0010187, OMIM 277450.

Allele frequency attached by ClinVar (database versions not stated): gnomAD 0.00834 and 0.00896; TOPMed 0.00998; 1000 Genomes Project 0.01018; 1000 Genomes Project 30x 0.01140.

Submission:

Illumina Laboratory Services, Illumina
Classification: Benign for Vitamin K-dependent clotting factors, combined deficiency of, type 1. Last evaluated: 2018-01-13. Review status: criteria provided, single submitter. Criteria: ICSL Variant Classification Criteria 13 December 2019. Collection method: clinical testing. Allele origin: germline.
Comment: This variant was observed in the ICSL laboratory as part of a predisposition screen in an ostensibly healthy population. It had not been previously curated by ICSL or reported in the Human Gene Mutation Database (HGMD: prior to June 1st, 2018), and was therefore a candidate for classification through an automated scoring system. Utilizing variant allele frequency, disease prevalence and penetrance estimates, and inheritance mode, an automated score was calculated to assess if this variant is too frequent to cause the disease. Based on the score and internal cut-off values, a variant classified as benign is not then subjected to further curation. The score for this variant resulted in a classification of benign for this disease.